The following is an entry in ClinVar:

NM_152246.3(CPT1B):c.2310C>G (p.Ala770=)

Genes: CHKB-CPT1B (CHKB-CPT1B readthrough (NMD candidate); minus strand), CPT1B (carnitine palmitoyltransferase 1B; minus strand). Cytogenetic location: 22q13.33.
Variant type: single nucleotide variant.
Coding change: c.2310C>G on transcript NM_152246.3 (MANE Select); coding-DNA position 2310, C replaced by G.
Protein change: p.Ala770=; no amino-acid change (alanine 770 retained).
Molecular consequence: synonymous variant. On other transcripts: non-coding transcript variant (1).
Genome position (GRCh38, 1-based): chr22:50,569,347, G>C on the plus strand (C>G on the coding strand, the complement: CPT1B is on the minus strand). VCF-style: chr22-50569347-G-C. GRCh37 (hg19) VCF-style: chr22-51007776-G-C.
Other names: c.2208C>G, p.Ala736= (NM_001145134.2); c.2310C>G, p.Ala770= (NM_001145135.2, NM_001145137.2, NM_004377.4 and 1 more transcripts); c.2310C>G (NM_001145137.1).
Identifiers: ClinVar variation 777778 (VCV000777778.5), dbSNP rs138045495, ClinGen allele CA10322591.

ClinVar aggregate classification (germline): Benign/Likely benign. Review status: criteria provided, multiple submitters, no conflicts (2 of 4 stars). 3 submissions from 3 submitters: Benign (2); Likely benign (1). Last evaluated 2025-08-19.

Conditions:
CPT1B-related disorder. Also called: CPT1B-related condition.

Allele frequency attached by ClinVar (database versions not stated): gnomAD exomes 0.00011 and 0.00027; ExAC 0.00030; 1000 Genomes Project 30x 0.00078; 1000 Genomes Project 0.00080; TOPMed 0.00125; gnomAD 0.00129 and 0.00137; ESP Exome Variant Server 0.00131.
gnomAD v4.1: 369 of 1,614,106 alleles (0.023%); highest among the groups gnomAD compares: African/African-American, 0.46%; no homozygotes.

Submissions (3):

PreventionGenetics, part of Exact Sciences
Classification: Likely benign for CPT1B-related condition. Last evaluated: 2025-08-19. Review status: criteria provided, single submitter. Criteria: ACMG Guidelines, 2015. Collection method: clinical testing. Allele origin: germline.
Comment: This variant is classified as likely benign based on ACMG/AMP sequence variant interpretation guidelines (Richards et al. 2015 PMID: 25741868, with internal and published modifications).

Labcorp Genetics (formerly Invitae), Labcorp
Classification: Benign. Last evaluated: 2018-08-16. Review status: criteria provided, single submitter. Criteria: Invitae Variant Classification Sherloc (09022015). Collection method: clinical testing. Allele origin: germline.

Breakthrough Genomics
Classification: Benign. Review status: criteria provided, single submitter. Criteria: ACMG Guidelines, 2015. Collection method: not provided. Allele origin: germline. Inheritance: Unknown mechanism. Affected: yes.